The following is an entry in ClinVar:

ClinVar aggregate classification (germline): Conflicting classifications of pathogenicity. Review status: criteria provided, conflicting classifications (1 of 4 stars). 6 submissions from 6 submitters: Uncertain significance (3); Likely benign (2). 1 of the submissions does not count toward it. Last evaluated 2026-01-20.

Conditions:
SGCA-related disorder. Also called: SGCA-related condition.
Sarcoglycanopathy. Identifiers: Orphanet 207052, MedGen C2936331, MONDO:0016140.
Autosomal recessive limb-girdle muscular dystrophy type 2D (LGMDR3). Also called: ADHALINOPATHY, PRIMARY; DUCHENNE-LIKE AUTOSOMAL RECESSIVE MUSCULAR DYSTROPHY, TYPE 2; MUSCULAR DYSTROPHY, LIMB-GIRDLE, AUTOSOMAL RECESSIVE 3. Identifiers: Orphanet 62, MedGen C2936332, MONDO:0011968, OMIM 608099. Disease mechanism: Affects gamma-sarcoglycan and also disrupts the integrity of the entire sarcoglycan complex..

Allele frequency attached by ClinVar (database versions not stated): gnomAD 0.00009; gnomAD exomes 0.00010 and 0.00029; ESP Exome Variant Server 0.00015; TOPMed 0.00015; 1000 Genomes Project 0.00020; 1000 Genomes Project 30x 0.00031; ExAC 0.00034.
gnomAD v4.1: 159 of 1,614,070 alleles (0.0099%); highest among the groups gnomAD compares: Admixed American, 0.12%; no homozygotes.

Submissions (6):

Labcorp Genetics (formerly Invitae), Labcorp
Classification: Likely benign for Autosomal recessive limb-girdle muscular dystrophy type 2D. Last evaluated: 2026-01-20. Review status: criteria provided, single submitter. Criteria: Invitae Variant Classification Sherloc (09022015). Collection method: clinical testing. Allele origin: germline.

PreventionGenetics, part of Exact Sciences
Classification: Likely benign for SGCA-related condition. Last evaluated: 2025-03-18. Review status: criteria provided, single submitter. Criteria: ACMG Guidelines, 2015. Collection method: clinical testing. Allele origin: germline.
Comment: This variant is classified as likely benign based on ACMG/AMP sequence variant interpretation guidelines (Richards et al. 2015 PMID: 25741868, with internal and published modifications).

Revvity Omics, Revvity
Classification: Uncertain significance for Autosomal recessive limb-girdle muscular dystrophy type 2D. Last evaluated: 2024-02-09. Review status: criteria provided, single submitter. Criteria: ACMG Guidelines, 2015. Collection method: clinical testing. Allele origin: germline.

Illumina Laboratory Services, Illumina
Classification: Uncertain significance for Sarcoglycanopathy. Last evaluated: 2018-01-12. Review status: criteria provided, single submitter. Criteria: ICSL Variant Classification Criteria 13 December 2019. Collection method: clinical testing. Allele origin: germline.

Eurofins Ntd Llc (ga)
Classification: Uncertain significance. Last evaluated: 2017-01-19. Review status: criteria provided, single submitter. Criteria: EGL Classification Definitions 2015. Collection method: clinical testing. Allele origin: germline. Observed: 4 variant alleles, 4 heterozygotes.

Natera, Inc.
Classification: Uncertain significance for Limb-girdle muscular dystrophy type 2D. Last evaluated: 2020-01-17. Review status: no assertion criteria provided. Collection method: clinical testing. Allele origin: germline. Not counted in ClinVar's aggregate classification.

NM_000023.4(SGCA):c.764C>T (p.Pro255Leu)

Gene: SGCA (sarcoglycan alpha; plus strand). Cytogenetic location: 17q21.33.
Variant type: single nucleotide variant.
Coding change: c.764C>T on transcript NM_000023.4 (MANE Select); coding-DNA position 764, C replaced by T.
Protein change: p.Pro255Leu; replaces proline 255 with leucine.
Molecular consequence: missense variant. On other transcripts: intron variant (1).
Genome position (GRCh38, 1-based): chr17:50,170,159, C>T. VCF-style: chr17-50170159-C-T. GRCh37 (hg19) VCF-style: chr17-48247520-C-T.
Other names: c.764C>T (NM_000023.3, LRG_203t1); c.585-481C>T (NM_001135697.3); short protein forms P255L.
Identifiers: ClinVar variation 285931 (VCV000285931.22), dbSNP rs138019537, ClinGen allele CA8643912.
Genomic context (GRCh38, chr17:50,170,159, plus strand): 5'-TCCAGCCAGCCACTTCCTGCGTCAGCCCTGAGCTCTCTGTGCAGGTGGATAAGTCAGTGC[C>T]GGAGCCTGCAGATGAGGTGCCCACCCCAGGTGATGGGATCCTGGAGCATGACCCGTTCTT-3'
Protein context (NP_000014.1, residues 245-265): CNVTLVDKSV[Pro255Leu]EPADEVPTPG